The following is an entry in ClinVar:

NM_014989.7(RIMS1):c.245C>T (p.Pro82Leu)

Gene: RIMS1 (regulating synaptic membrane exocytosis 1; plus strand). Cytogenetic location: 6q13.
Variant type: single nucleotide variant.
Coding change: c.245C>T on transcript NM_014989.7 (MANE Select); coding-DNA position 245, C replaced by T.
Protein change: p.Pro82Leu; replaces proline 82 with leucine.
Molecular consequence: missense variant. On other transcripts: intron variant (1).
Genome position (GRCh38, 1-based): chr6:71,969,063, C>T. VCF-style: chr6-71969063-C-T. GRCh37 (hg19) VCF-style: chr6-72678766-C-T.
Other names: c.245C>T, p.Pro82Leu (NM_001350411.1, NM_001350413.1); c.164+81876C>T (NM_001350412.1); short protein forms P82L.
Identifiers: ClinVar variation 1415490 (VCV001415490.8), dbSNP rs376491487, ClinGen allele CA3885432.

ClinVar aggregate classification (germline): Uncertain significance (1 of 4 stars; one submission).

Allele frequency attached by ClinVar (database versions not stated): gnomAD exomes 0.00001 and 0.00002; ExAC 0.00003; gnomAD 0.00003 and 0.00006; TOPMed 0.00006; ESP Exome Variant Server 0.00017.
gnomAD v4.1: 17 of 1,613,676 alleles (0.0011%); highest among the groups gnomAD compares: African/African-American, 0.0067%; no homozygotes.

Submission:

Labcorp Genetics (formerly Invitae), Labcorp
Classification: Uncertain significance. Last evaluated: 2024-06-02. Review status: criteria provided, single submitter. Criteria: Invitae Variant Classification Sherloc (09022015). Collection method: clinical testing. Allele origin: germline.
Comment: This sequence change replaces proline, which is neutral and non-polar, with leucine, which is neutral and non-polar, at codon 82 of the RIMS1 protein (p.Pro82Leu). This variant is present in population databases (rs376491487, gnomAD 0.02%). This variant has not been reported in the literature in individuals affected with RIMS1-related conditions. ClinVar contains an entry for this variant (Variation ID: 1415490). Algorithms developed to predict the effect of missense changes on protein structure and function output the following: SIFT: "Not Available"; PolyPhen-2: "Benign"; Align-GVGD: "Not Available". The leucine amino acid residue is found in multiple mammalian species, which suggests that this missense change does not adversely affect protein function. In summary, the available evidence is currently insufficient to determine the role of this variant in disease. Therefore, it has been classified as a Variant of Uncertain Significance.